The following is an entry in ClinVar:

NM_001371623.1(TCOF1):c.1545G>T (p.Gly515=)

Gene: TCOF1 (treacle ribosome biogenesis factor 1; plus strand). Cytogenetic location: 5q32.
Variant type: single nucleotide variant.
Coding change: c.1545G>T on transcript NM_001371623.1 (MANE Select); coding-DNA position 1545, G replaced by T.
Protein change: p.Gly515=; no amino-acid change (glycine 515 retained).
Molecular consequence: synonymous variant.
Genome position (GRCh38, 1-based): chr5:150,375,395, G>T. VCF-style: chr5-150375395-G-T. GRCh37 (hg19) VCF-style: chr5-149754958-G-T.
Other names: c.1314G>T, p.Gly438= (NM_000356.4, NM_001135245.2); c.1545G>T, p.Gly515= (NM_001008657.3, NM_001135243.2, NM_001135244.2 and 1 more transcripts).
Identifiers: ClinVar variation 717547 (VCV000717547.10), dbSNP rs374664344, ClinGen allele CA3510914.
Genomic context (GRCh38, chr5:150,375,395, plus strand): 5'-CCAGGTGAAGCCCTTGGGGAAAAGCCCCCAGGTGAAACCTGCCTCTACCATGGGCATGGG[G>T]CCCTTGGGGAAAGGCGCCGGCCCAGTGCCACCCGGGAAGGTGGGGCCTGCAACCCCCTCA-3'
Protein context (NP_001358552.1, residues 505-525): QVKPASTMGM[Gly515=]PLGKGAGPVP

ClinVar aggregate classification (germline): Likely benign. Review status: criteria provided, single submitter (1 of 4 stars). 2 submissions from 2 submitters: Likely benign (1). 1 of the submissions does not count toward it. Last evaluated 2022-11-29.

Conditions:
TCOF1-related disorder. Also called: TCOF1-related condition.
Treacher Collins syndrome 1 (TCS1). Also called: TCOF1-Related Treacher Collins Syndrome. Identifiers: Orphanet 861, MedGen CN315775, MONDO:0007944, OMIM 154500.

Allele frequency attached by ClinVar (database versions not stated): ExAC 0.00004; gnomAD exomes 0.00006; ESP Exome Variant Server 0.00008; gnomAD 0.00012; TOPMed 0.00014.
gnomAD v4.1: 307 of 1,612,730 alleles (0.019%); highest among the groups gnomAD compares: Non-Finnish European, 0.025%; no homozygotes.

Submissions (2):

Labcorp Genetics (formerly Invitae), Labcorp
Classification: Likely benign for Treacher Collins syndrome 1. Last evaluated: 2022-11-29. Review status: criteria provided, single submitter. Criteria: Invitae Variant Classification Sherloc (09022015). Collection method: clinical testing. Allele origin: germline.

PreventionGenetics, part of Exact Sciences
Classification: Likely benign for TCOF1-related condition. Last evaluated: 2020-02-14. Review status: no assertion criteria provided. Collection method: clinical testing. Allele origin: germline. Not counted in ClinVar's aggregate classification.
Comment: This variant is classified as likely benign based on ACMG/AMP sequence variant interpretation guidelines (Richards et al. 2015 PMID: 25741868, with internal and published modifications).